The following is an entry in ClinVar:

ClinVar aggregate classification (germline): Pathogenic (1 of 4 stars; one submission).

Conditions:
Duchenne muscular dystrophy (DMD). Also called: Duchenne Muscular Dystrophy (DMD); MUSCULAR DYSTROPHY, PSEUDOHYPERTROPHIC PROGRESSIVE, DUCHENNE TYPE. Identifiers: Orphanet 98896, MedGen C0013264, MONDO:0010679, OMIM 310200.

Submission:

Labcorp Genetics (formerly Invitae), Labcorp
Classification: Pathogenic for Duchenne muscular dystrophy. Last evaluated: 2023-11-21. Review status: criteria provided, single submitter. Criteria: Invitae Variant Classification Sherloc (09022015). Collection method: clinical testing. Allele origin: germline.
Comment: This variant is a gross deletion of the genomic region encompassing exon(s) 49-53 of the DMD gene. This variant would be expected to be in-frame, preserving the integrity of the reading frame. A similar copy number variant has been observed in individual(s) with a DMD-related muscular dystrophy (PMID: 20847377). The region of the DMD gene that includes exon(s) 49 has been determined to be clinically significant (PMID: 26081009, 27854212, 28610567). Therefore, deletions that encompass that region are likely to be disease-causing. For these reasons, this variant has been classified as Pathogenic.

Literature cited by the submitters: PubMed 20847377; PubMed 26081009; PubMed 27854212; PubMed 28610567.

NC_000023.10:g.(?_31697472)_(31854956_?)del

Gene: DMD (dystrophin; minus strand). Cytogenetic location: Xp21.1.
Variant type: Deletion.
Identifiers: ClinVar variation 1459160 (VCV001459160.8).